The following is an entry in ClinVar:

NM_001083116.3(PRF1):c.1620A>G (p.Gln540=)

Gene: PRF1 (perforin 1; minus strand). Cytogenetic location: 10q22.1.
Variant type: single nucleotide variant.
Coding change: c.1620A>G on transcript NM_001083116.3 (MANE Select); coding-DNA position 1620, A replaced by G.
Protein change: p.Gln540=; no amino-acid change (glutamine 540 retained).
Molecular consequence: synonymous variant.
Genome position (GRCh38, 1-based): chr10:70,598,101, T>C on the plus strand (A>G on the coding strand, the complement: PRF1 is on the minus strand). VCF-style: chr10-70598101-T-C. GRCh37 (hg19) VCF-style: chr10-72357857-T-C.
Other names: p.Gln540=; c.1620A>G, p.Gln540= (NM_005041.6).
Identifiers: ClinVar variation 715355 (VCV000715355.49), dbSNP rs149776121, ClinGen allele CA5538718.
Genomic context (GRCh38, chr10:70,598,101, plus strand): 5'-AGCTCACTGTTCTCACCACACGGCCCCACTCCGGTTTCCTGGAGGCTCCCCCAGAAGCAT[T>C]TGGGGGACATAGTCCAGGCAGGTGCCTCCTCCCAGGTGGGGCAAGCACCTGGCATGATAG-3'
Protein context (NP_001076585.1, residues 530-550): GGGTCLDYVP[Gln540=]MLLGEPPGNR

ClinVar aggregate classification (germline): Conflicting classifications of pathogenicity. Review status: criteria provided, conflicting classifications (1 of 4 stars). 8 submissions from 8 submitters: Uncertain significance (3); Benign (1); Likely benign (3). 1 of the submissions does not count toward it. Last evaluated 2026-02-04.

Conditions:
Autoinflammatory syndrome. Identifiers: Orphanet 93665, MedGen C3890737, MONDO:0019751.
Familial hemophagocytic lymphohistiocytosis 2 (FHL2). Also called: PRF1-Related Familial Hemophagocytic Lymphohistiocytosis (PRF1-fHLH). Identifiers: Orphanet 540, MedGen C1863727, MONDO:0011337, OMIM 603553.

Allele frequency attached by ClinVar (database versions not stated): ESP Exome Variant Server 0.00015; gnomAD 0.00083 and 0.00107; TOPMed 0.00106; ExAC 0.00189; gnomAD exomes 0.00191; 1000 Genomes Project 30x 0.00250; 1000 Genomes Project 0.00260.
gnomAD v4.1: 1,697 of 1,614,000 alleles (0.11%); highest among the groups gnomAD compares: East Asian, 1.4%; 10 homozygotes.

Submissions (11):

Labcorp Genetics (formerly Invitae), Labcorp
Classification: Benign for Familial hemophagocytic lymphohistiocytosis 2. Last evaluated: 2026-02-04. Review status: criteria provided, single submitter. Criteria: Invitae Variant Classification Sherloc (09022015). Collection method: clinical testing. Allele origin: germline.

Mayo Clinic Laboratories, Mayo Clinic
Classification: Likely benign. Last evaluated: 2025-05-22. Review status: criteria provided, single submitter. Criteria: ACMG Guidelines, 2015. Collection method: clinical testing. Allele origin: germline. Observed: 4 variant alleles.
Comment: BS1, BP4, BP7

Blueprint Genetics
Classification: Likely benign. Last evaluated: 2024-11-19. Review status: criteria provided, single submitter. Criteria: ACMG Guidelines, 2015. Collection method: clinical testing. Allele origin: germline.

CeGaT Center for Human Genetics Tuebingen
Classification: Likely benign. Last evaluated: 2024-01-01. Review status: criteria provided, single submitter. Criteria: CeGaT Center For Human Genetics Tuebingen Variant Classification Criteria Version 2. Collection method: clinical testing. Allele origin: germline. Affected: yes. Observed: 2 variant alleles.
Comment: PRF1: BP4, BP7, BS1

Institute for Clinical Genetics, University Hospital TU Dresden, University Hospital TU Dresden
Classification: Uncertain significance. Last evaluated: 2021-11-03. Review status: criteria provided, single submitter. Criteria: ACMG Guidelines, 2015. Collection method: clinical testing. Allele origin: germline.

Genome Diagnostics Laboratory, The Hospital for Sick Children
Classification: Uncertain significance for Autoinflammatory syndrome. Last evaluated: 2020-05-01. Review status: criteria provided, single submitter. Criteria: ACMG Guidelines, 2015. Collection method: clinical testing. Allele origin: germline. Affected: yes.

Illumina Laboratory Services, Illumina
Classification: Uncertain significance for Familial hemophagocytic lymphohistiocytosis 2. Last evaluated: 2017-04-27. Review status: criteria provided, single submitter. Criteria: ICSL Variant Classification Criteria 13 December 2019. Collection method: clinical testing. Allele origin: germline.
Comment: This variant was observed as part of a predisposition screen in an ostensibly healthy population. A literature search was performed for the gene, cDNA change, and amino acid change (where applicable). Publications were found based on this search. However, the evidence from the literature, in combination with allele frequency data from public databases where available, was not sufficient to rule this variant in or out of causing disease. Therefore, this variant is classified as a variant of unknown significance.

Department of Pathology and Laboratory Medicine, Sinai Health System
Classification: Uncertain significance. Review status: no assertion criteria provided. Collection method: clinical testing. Allele origin: unknown. Affected: yes. Study: The Canadian Open Genetics Repository (COGR). Not counted in ClinVar's aggregate classification.
Comment: The PRF1 p.Gln540Gln variant was identified in one homozygous individual with multiple sclerosis and one heterozygous individual with familial hemophagocytic lymphohistiocytosis (Cappellano_2008_PMID:18496551, Liu_2015_PMID:26274329). The variant was identified in dbSNP (ID: rs149776121), ClinVar (classified as benign by Invitae) and LOVD 3.0 (variant effect not shared), but was not identified in Cosmic. The variant was identified in control databases in 499 of 268182 chromosomes (1 homozygous) at a frequency of 0.001861 increasing the likelihood this could be a low frequency benign variant (Genome Aggregation Database March 6, 2019, v2.1.1, non-cancer). The variant was observed in the following populations: East Asian in 245 of 19248 chromosomes (freq: 0.01273), European (Finnish) in 81 of 25022 chromosomes (freq: 0.003237), South Asian in 76 of 30526 chromosomes (freq: 0.00249), Other in 11 of 6702 chromosomes (freq: 0.001641), European (non-Finnish) in 76 of 118130 chromosomes (freq: 0.000643), Latino in 6 of 35106 chromosomes (freq: 0.000171), African in 3 of 23586 chromosomes (freq: 0.000127) and Ashkenazi Jewish in 1 of 9862 chromosomes (freq: 0.000101). The p.Gln540Gln variant is not expected to have clinical significance because it does not result in a change of amino acid and is not located in a known consensus splice site. However, 4 of 4 in silico or computational prediction software programs (SpliceSiteFinder, MaxEntScan, NNSPLICE, GeneSplicer) predict a greater than 10% difference in splicing and the creation of a new 3' splice site. However, this has not been confirmed by RNA analysis and is not predictive enough to assume pathogenicity. In summary, based on the above information the clinical significance of this variant cannot be determined with certainty at this time. This variant is classified as a variant of uncertain significance.

Dr. Peter K. Rogan Lab, Western University
No classification provided (evidence only). Condition: Clear cell carcinoma of kidney. Review status: no classification provided. Collection method: in vitro. Allele origin: not applicable. Functional consequence: retained intron. Not counted in ClinVar's aggregate classification.

Dr. Peter K. Rogan Lab, Western University
No classification provided (evidence only). Condition: Familial cancer of breast. Review status: no classification provided. Collection method: in vitro. Allele origin: not applicable. Functional consequence: retained intron. Not counted in ClinVar's aggregate classification.

Dr. Peter K. Rogan Lab, Western University
No classification provided (evidence only). Condition: Gastric cancer. Review status: no classification provided. Collection method: in vitro. Allele origin: not applicable. Functional consequence: retained intron. Not counted in ClinVar's aggregate classification.

Literature cited by the submitters: PubMed 18496551 (cited by Mayo Clinic Laboratories, Mayo Clinic and Illumina Laboratory Services, Illumina); PubMed 20092789 (cited by Mayo Clinic Laboratories, Mayo Clinic); PubMed 20638125 (cited by Mayo Clinic Laboratories, Mayo Clinic); PubMed 26274329 (cited by Mayo Clinic Laboratories, Mayo Clinic); PubMed 38968556 (cited by Mayo Clinic Laboratories, Mayo Clinic); PubMed 15077010 (cited by Illumina Laboratory Services, Illumina).